The following is an entry in ClinVar:

NM_000891.3(KCNJ2):c.578T>G (p.Leu193Arg)

Gene: KCNJ2 (potassium inwardly rectifying channel subfamily J member 2; plus strand). Cytogenetic location: 17q24.3.
Variant type: single nucleotide variant.
Coding change: c.578T>G on transcript NM_000891.3 (MANE Select); coding-DNA position 578, T replaced by G.
Protein change: p.Leu193Arg; replaces leucine 193 with arginine.
Molecular consequence: missense variant.
Genome position (GRCh38, 1-based): chr17:70,175,617, T>G. VCF-style: chr17-70175617-T-G. GRCh37 (hg19) VCF-style: chr17-68171758-T-G.
Other names: short protein forms L193R.
Identifiers: ClinVar variation 2099283 (VCV002099283.4), dbSNP rs1555603955, ClinGen allele CA400861095.
Genomic context (GRCh38, chr17:70,175,617, plus strand): 5'-CTTTCATCATTGGCGCAGTCATGGCCAAGATGGCAAAGCCAAAGAAGAGAAACGAGACTC[T>G]TGTCTTCAGTCACAATGCCGTGATTGCCATGAGAGACGGCAAGCTGTGTTTGATGTGGCG-3'
Protein context (NP_000882.1, residues 183-203): MAKPKKRNET[Leu193Arg]VFSHNAVIAM

ClinVar aggregate classification (germline): Uncertain significance (1 of 4 stars; one submission).

Conditions:
Andersen Tawil syndrome (LQT7). Also called: LONG QT SYNDROME 7; ANDERSEN CARDIODYSRHYTHMIC PERIODIC PARALYSIS; Potassium-sensitive periodic paralysis, ventricular ectopy, and dysmorphic features; PERIODIC PARALYSIS, POTASSIUM-SENSITIVE CARDIODYSRHYTHMIC TYPE; Andersen Syndrome. Identifiers: Orphanet 37553, MedGen C1563715, MONDO:0008222, OMIM 170390.
Short QT syndrome type 3. Identifiers: Orphanet 51083, MedGen C1865018, MONDO:0012314, OMIM 609622.

Submission:

Labcorp Genetics (formerly Invitae), Labcorp
Classification: Uncertain significance for Short QT syndrome type 3; Andersen Tawil syndrome. Last evaluated: 2022-02-19. Review status: criteria provided, single submitter. Criteria: Invitae Variant Classification Sherloc (09022015). Collection method: clinical testing. Allele origin: germline.
Comment: This sequence change replaces leucine, which is neutral and non-polar, with arginine, which is basic and polar, at codon 193 of the KCNJ2 protein (p.Leu193Arg). This variant is not present in population databases (gnomAD no frequency). This variant has not been reported in the literature in individuals affected with KCNJ2-related conditions. Advanced modeling of protein sequence and biophysical properties (such as structural, functional, and spatial information, amino acid conservation, physicochemical variation, residue mobility, and thermodynamic stability) performed at Invitae indicates that this missense variant is expected to disrupt KCNJ2 protein function. In summary, the available evidence is currently insufficient to determine the role of this variant in disease. Therefore, it has been classified as a Variant of Uncertain Significance.